The following is an entry in ClinVar:

ClinVar aggregate classification (germline): Uncertain significance (1 of 4 stars; one submission).

Allele frequency attached by ClinVar (database versions not stated): gnomAD exomes 0.00001; TOPMed 0.00001; ExAC 0.00003.
gnomAD v4.1: 7 of 1,613,946 alleles (0.00043%); highest among the groups gnomAD compares: Admixed American, 0.012%; no homozygotes.

Submission:

Labcorp Genetics (formerly Invitae), Labcorp
Classification: Uncertain significance. Last evaluated: 2022-10-22. Review status: criteria provided, single submitter. Criteria: Invitae Variant Classification Sherloc (09022015). Collection method: clinical testing. Allele origin: germline.
Comment: This sequence change replaces glutamic acid, which is acidic and polar, with alanine, which is neutral and non-polar, at codon 113 of the ACAD9 protein (p.Glu113Ala). This variant is present in population databases (rs778390349, gnomAD 0.009%). This variant has not been reported in the literature in individuals affected with ACAD9-related conditions. Advanced modeling of protein sequence and biophysical properties (such as structural, functional, and spatial information, amino acid conservation, physicochemical variation, residue mobility, and thermodynamic stability) performed at Invitae indicates that this missense variant is not expected to disrupt ACAD9 protein function. In summary, the available evidence is currently insufficient to determine the role of this variant in disease. Therefore, it has been classified as a Variant of Uncertain Significance.

NM_014049.5(ACAD9):c.338A>C (p.Glu113Ala)

Gene: ACAD9 (acyl-CoA dehydrogenase family member 9; plus strand). Cytogenetic location: 3q21.3.
Variant type: single nucleotide variant.
Coding change: c.338A>C on transcript NM_014049.5 (MANE Select); coding-DNA position 338, A replaced by C.
Protein change: p.Glu113Ala; replaces glutamic acid 113 with alanine.
Molecular consequence: missense variant. On other transcripts: non-coding transcript variant (1).
Genome position (GRCh38, 1-based): chr3:128,893,648, A>C. VCF-style: chr3-128893648-A-C. GRCh37 (hg19) VCF-style: chr3-128612491-A-C.
Other names: c.-32A>C (NM_001410805.1); short protein forms E113A.
Identifiers: ClinVar variation 2153107 (VCV002153107.1), dbSNP rs778390349, ClinGen allele CA2601115.